The following is an entry in ClinVar:

NM_000246.4(CIITA):c.2495G>A (p.Arg832His)

Gene: CIITA (class II major histocompatibility complex transactivator; plus strand). Cytogenetic location: 16p13.13.
Variant type: single nucleotide variant.
Coding change: c.2495G>A on transcript NM_000246.4 (MANE Select); coding-DNA position 2495, G replaced by A.
Protein change: p.Arg832His; replaces arginine 832 with histidine.
Molecular consequence: missense variant. On other transcripts: intron variant (1).
Genome position (GRCh38, 1-based): chr16:10,907,987, G>A. VCF-style: chr16-10907987-G-A. GRCh37 (hg19) VCF-style: chr16-11001844-G-A.
Other names: c.2498G>A, p.Arg833His (NM_001286402.1, NM_001379332.1); c.2351G>A, p.Arg784His (NM_001379330.1); c.2348G>A, p.Arg783His (NM_001379331.1); c.2495G>A, p.Arg832His (NM_001379333.1); c.2426G>A, p.Arg809His (NM_001379334.1); c.860-996G>A (NM_001286403.2); short protein forms R784H, R783H, R809H, R832H, R833H.
Identifiers: ClinVar variation 2078088 (VCV002078088.3), dbSNP rs778641112, ClinGen allele CA7900391.

ClinVar aggregate classification (germline): Uncertain significance (1 of 4 stars; one submission).

Conditions:
MHC class II deficiency. Also called: Bare lymphocyte syndrome 2; BLS, TYPE II. Identifiers: Orphanet 572, MedGen C5447452, MONDO:0008855.

Allele frequency attached by ClinVar (database versions not stated): TOPMed 0.00001; gnomAD 0.00003; ExAC 0.00004.
gnomAD v4.1: 20 of 1,588,206 alleles (0.0013%); highest among the groups gnomAD compares: South Asian, 0.01%; no homozygotes.

Submission:

Labcorp Genetics (formerly Invitae), Labcorp
Classification: Uncertain significance for MHC class II deficiency. Last evaluated: 2024-10-05. Review status: criteria provided, single submitter. Criteria: Invitae Variant Classification Sherloc (09022015). Collection method: clinical testing. Allele origin: germline.
Comment: This sequence change replaces arginine, which is basic and polar, with histidine, which is basic and polar, at codon 832 of the CIITA protein (p.Arg832His). This variant is present in population databases (rs778641112, gnomAD 0.01%). This variant has not been reported in the literature in individuals affected with CIITA-related conditions. ClinVar contains an entry for this variant (Variation ID: 2078088). An algorithm developed to predict the effect of missense changes on protein structure and function outputs the following: PolyPhen-2: "Benign". The histidine amino acid residue is found in multiple mammalian species, which suggests that this missense change does not adversely affect protein function. In summary, the available evidence is currently insufficient to determine the role of this variant in disease. Therefore, it has been classified as a Variant of Uncertain Significance.